The following is an entry in ClinVar:

ClinVar aggregate classification (germline): Conflicting classifications of pathogenicity. Review status: criteria provided, conflicting classifications (1 of 4 stars). 2 submissions from 2 submitters: Uncertain significance (1); Benign (1). Last evaluated 2022-05-31.

Conditions:
Melnick-Needles syndrome (MNS). Also called: MELNICK-NEEDLES OSTEODYSPLASTY; OSTEODYSPLASTY OF MELNICK AND NEEDLES; Melnick-Needles Syndrome (FLNA-MNS). Identifiers: Orphanet 2484, MedGen C0025237, MONDO:0010650, OMIM 309350.
Frontometaphyseal dysplasia (FMD1). Identifiers: MONDO:0015942, Orphanet 1826, MedGen C0265293.
Oto-palato-digital syndrome, type II (OPD2). Also called: Otopalatodigital Syndrome, Type II; FACIOPALATOOSSEOUS SYNDROME; OPD II SYNDROME; Otopalatodigital Syndrome Type 2 (FLNA-OPD2). Identifiers: Orphanet 669, Orphanet 90652, MedGen C1844696, MONDO:0010571, OMIM 304120.
Heterotopia, periventricular, X-linked dominant (PVNH1). Also called: X-linked periventricular heterotopia; PERIVENTRICULAR NODULAR HETEROTOPIA 4; HETEROTOPIA, PERIVENTRICULAR, 1; PERIVENTRICULAR NODULAR HETEROTOPIA 1. Identifiers: Orphanet 2149, Orphanet 82004, MedGen C1848213, MONDO:0010233, OMIM 300049.

Allele frequency attached by ClinVar (database versions not stated): gnomAD exomes 0.00001.
gnomAD v4.1: 6 of 1,210,953 alleles (0.0005%); highest among the groups gnomAD compares: South Asian, 0.0053%; no homozygotes.

Submissions (2):

Labcorp Genetics (formerly Invitae), Labcorp
Classification: Benign for Oto-palato-digital syndrome, type II; Heterotopia, periventricular, X-linked dominant; Frontometaphyseal dysplasia; Melnick-Needles syndrome. Last evaluated: 2022-05-31. Review status: criteria provided, single submitter. Criteria: Invitae Variant Classification Sherloc (09022015). Collection method: clinical testing. Allele origin: germline.

GeneDx
Classification: Uncertain significance. Last evaluated: 2020-01-06. Review status: criteria provided, single submitter. Criteria: GeneDx Variant Classification Process June 2021. Collection method: clinical testing. Allele origin: germline. Affected: yes.
Comment: In silico analysis, which includes protein predictors and evolutionary conservation, supports a deleterious effect; Has not been previously published as pathogenic or benign to our knowledge

NM_001110556.2(FLNA):c.1873G>A (p.Asp625Asn)

Gene: FLNA (filamin A; minus strand). Cytogenetic location: Xq28.
Variant type: single nucleotide variant.
Coding change: c.1873G>A on transcript NM_001110556.2 (MANE Select); coding-DNA position 1873, G replaced by A.
Protein change: p.Asp625Asn; replaces aspartic acid 625 with asparagine.
Molecular consequence: missense variant.
Genome position (GRCh38, 1-based): chrX:154,364,675, C>T on the plus strand (G>A on the coding strand, the complement: FLNA is on the minus strand). VCF-style: chrX-154364675-C-T. GRCh37 (hg19) VCF-style: chrX-153593043-C-T.
Other names: c.1873G>A, p.Asp625Asn (NM_001456.4); short protein forms D625N.
Identifiers: ClinVar variation 1303280 (VCV001303280.6), dbSNP rs1557178769, ClinGen allele CA415241903.